The following is an entry in ClinVar:

NM_000138.5(FBN1):c.1090del (p.Arg364fs)

Genes: FBN1 (fibrillin 1; minus strand), LOC113939944 (Sharpr-MPRA regulatory region 9539; plus strand). Cytogenetic location: 15q21.1.
Variant type: Deletion.
Coding change: c.1090del on transcript NM_000138.5 (MANE Select); coding-DNA position 1090, one base deleted (C; older notation c.1090delC).
Protein change: p.Arg364fs; shifts the reading frame from arginine 364.
Molecular consequence: frameshift variant.
Genome position (GRCh38, 1-based): chr15:48,520,716, G deleted on the plus strand (C on the coding strand, the reverse complement: FBN1 is on the minus strand); the first of 2 consecutive G bases (chr15:48,520,716-48,520,717); deleting either gives the same sequence. VCF-style (leftmost placement, unchanged base first): chr15-48520715-CG-C. GRCh37 (hg19) VCF-style: chr15-48812912-CG-C.
Other names: short protein forms R364fs.
Identifiers: ClinVar variation 951716 (VCV000951716.7), dbSNP rs2043845786, ClinGen allele CA1139663983.

ClinVar aggregate classification (germline): Pathogenic (1 of 4 stars; one submission).

Conditions:
Familial thoracic aortic aneurysm and aortic dissection (TAAD). Also called: Thoracic aortic aneurysms and dissections. Identifiers: Orphanet 91387, MedGen C4707243, MONDO:0019625.
Marfan syndrome (MFS). Also called: Marfan syndrome, classic; Marfan syndrome type 1; Marfan's syndrome; FBN1-Related Marfan Syndrome; MARFAN SYNDROME, TYPE I. Identifiers: Orphanet 284963, Orphanet 558, MedGen C0024796, MONDO:0007947, OMIM 154700.

Submission:

Labcorp Genetics (formerly Invitae), Labcorp
Classification: Pathogenic for Marfan syndrome; Familial thoracic aortic aneurysm and aortic dissection. Last evaluated: 2019-07-26. Review status: criteria provided, single submitter. Criteria: Invitae Variant Classification Sherloc (09022015). Collection method: clinical testing. Allele origin: germline.
Comment: For these reasons, this variant has been classified as Pathogenic. Loss-of-function variants in FBN1 are known to be pathogenic (PMID: 17657824, 19293843). This variant has not been reported in the literature in individuals with FBN1-related conditions. This variant is not present in population databases (ExAC no frequency). This sequence change creates a premature translational stop signal (p.Arg364Aspfs*31) in the FBN1 gene. It is expected to result in an absent or disrupted protein product.

Literature cited by the submitters: PubMed 17657824; PubMed 19293843.